The following is an entry in ClinVar:

ClinVar aggregate classification (germline): Uncertain significance (1 of 4 stars; one submission).

Conditions:
Aicardi-Goutieres syndrome 2. Identifiers: Orphanet 51, MedGen C3489724, MONDO:0012429, OMIM 610181.

Allele frequency attached by ClinVar (database versions not stated): gnomAD exomes below 0.00001; gnomAD 0.00001.
gnomAD v4.1: 4 of 1,609,270 alleles (0.00025%); highest among the groups gnomAD compares: Non-Finnish European, 0.00034%; no homozygotes.

Submission:

Labcorp Genetics (formerly Invitae), Labcorp
Classification: Uncertain significance for Aicardi-Goutieres syndrome 2. Last evaluated: 2024-11-05. Review status: criteria provided, single submitter. Criteria: Invitae Variant Classification Sherloc (09022015). Collection method: clinical testing. Allele origin: germline.
Comment: This sequence change replaces isoleucine, which is neutral and non-polar, with valine, which is neutral and non-polar, at codon 75 of the RNASEH2B protein (p.Ile75Val). This variant is present in population databases (no rsID available, gnomAD no frequency). This variant has not been reported in the literature in individuals affected with RNASEH2B-related conditions. ClinVar contains an entry for this variant (Variation ID: 2095511). Invitae Evidence Modeling of protein sequence and biophysical properties (such as structural, functional, and spatial information, amino acid conservation, physicochemical variation, residue mobility, and thermodynamic stability) has been performed for this missense variant. However, the output from this modeling did not meet the statistical confidence thresholds required to predict the impact of this variant on RNASEH2B protein function. In summary, the available evidence is currently insufficient to determine the role of this variant in disease. Therefore, it has been classified as a Variant of Uncertain Significance.

NM_024570.4(RNASEH2B):c.223A>G (p.Ile75Val)

Gene: RNASEH2B (ribonuclease H2 subunit B; plus strand). Cytogenetic location: 13q14.3.
Variant type: single nucleotide variant.
Coding change: c.223A>G on transcript NM_024570.4 (MANE Select); coding-DNA position 223, A replaced by G.
Protein change: p.Ile75Val; replaces isoleucine 75 with valine.
Molecular consequence: missense variant.
Genome position (GRCh38, 1-based): chr13:50,929,561, A>G. VCF-style: chr13-50929561-A-G. GRCh37 (hg19) VCF-style: chr13-51503697-A-G.
Other names: c.223A>G, p.Ile75Val (NM_001142279.2, NM_001411023.1); short protein forms I75V.
Identifiers: ClinVar variation 2095511 (VCV002095511.3), dbSNP rs1470036646, ClinGen allele CA388258860.